The following is an entry in ClinVar:

NM_001267550.2(TTN):c.91875del (p.Pro30626fs)

Genes: TTN (titin; minus strand), TTN-AS1 (TTN antisense RNA 1; plus strand). Cytogenetic location: 2q31.2.
Variant type: Deletion.
Coding change: c.91875del on transcript NM_001267550.2 (MANE Select); coding-DNA position 91875, one base deleted (G; older notation c.91875delG).
Protein change: p.Pro30626fs; shifts the reading frame from proline 30626.
Molecular consequence: frameshift variant.
Genome position (GRCh38, 1-based): chr2:178,549,847, C deleted on the plus strand (G on the coding strand, the reverse complement: TTN is on the minus strand); the first of 3 consecutive C bases (chr2:178,549,847-178,549,849); deleting any one gives the same sequence. VCF-style (leftmost placement, unchanged base first): chr2-178549846-GC-G. GRCh37 (hg19) VCF-style: chr2-179414573-GC-G.
Other names: c.64680delG (NM_003319.4); c.86952del, p.Pro28985fs (NM_001256850.1); c.64680del, p.Pro21561fs (NM_003319.4); c.84171del, p.Pro28058fs (NM_133378.4); c.65055del, p.Pro21686fs (NM_133432.3); c.65256del, p.Pro21753fs (NM_133437.4); c.86952delG (NM_001256850.1); short protein forms P21686fs, P21753fs, P28985fs, P30626fs, P21561fs, P28058fs.
Identifiers: ClinVar variation 202492 (VCV000202492.6), dbSNP rs757451467, ClinGen allele CA309455.

ClinVar aggregate classification (germline): Pathogenic/Likely pathogenic. Review status: criteria provided, multiple submitters, no conflicts (2 of 4 stars). 4 submissions from 4 submitters: Pathogenic (2); Likely pathogenic (2). Last evaluated 2025-12-02.

Conditions:
Cardiovascular phenotype. Identifiers: MedGen CN230736.
Dilated cardiomyopathy 1G (CMD1G). Identifiers: Orphanet 154, MedGen C1858763, MONDO:0011400, OMIM 604145.
Autosomal recessive limb-girdle muscular dystrophy type 2J (LGMDR10). Also called: MUSCULAR DYSTROPHY, LIMB-GIRDLE, AUTOSOMAL RECESSIVE 10; Limb-girdle muscular dystrophy, type 2J. Identifiers: Orphanet 140922, MedGen C1837342, MONDO:0012127, OMIM 608807.
Primary dilated cardiomyopathy (DCM). Also called: Dilated Cardiomyopathy. Identifiers: Orphanet 217604, MedGen C0007193, MeSH D002311, MONDO:0005021, HP:0001644. Inheritance: Various modes of inheritance.

Submissions (4):

Labcorp Genetics (formerly Invitae), Labcorp
Classification: Likely pathogenic for Dilated cardiomyopathy 1G; Autosomal recessive limb-girdle muscular dystrophy type 2J. Last evaluated: 2025-12-02. Review status: criteria provided, single submitter. Criteria: Invitae Variant Classification Sherloc (09022015). Collection method: clinical testing. Allele origin: germline.
Comment: This sequence change creates a premature translational stop signal (p.Pro30626Glnfs*2) in the TTN gene. While this is not anticipated to result in nonsense mediated decay, it is expected to create a truncated TTN protein. This variant is present in population databases (rs757451467, gnomAD 0.001%). This premature translational stop signal has been observed in individual(s) with dilated cardiomyopathy (PMID: 25163546, 33019804). ClinVar contains an entry for this variant (Variation ID: 202492). This variant is located in the A band of TTN (PMID: 25589632). Truncating variants in this region are significantly overrepresented in patients affected with dilated cardiomyopathy (PMID: 25589632). Truncating variants in this region have also been reported in individuals affected with autosomal recessive centronuclear myopathy (PMID: 23975875). In summary, the currently available evidence indicates that the variant is pathogenic, but additional data are needed to prove that conclusively. Therefore, this variant has been classified as Likely Pathogenic.

Lildballe Lab, Aarhus University Hospital
Classification: Pathogenic for dilated cardiomyopathy. Last evaluated: 2024-03-01. Review status: criteria provided, single submitter. Criteria: ACMG Guidelines, 2015. Collection method: research. Allele origin: germline. Affected: yes.
Comment: PS4(m), PVS1(vs), PM2(sup)

Ambry Genetics
Classification: Likely pathogenic for Cardiovascular phenotype. Last evaluated: 2022-05-09. Review status: criteria provided, single submitter. Criteria: Ambry Variant Classification Scheme 2023. Collection method: clinical testing. Allele origin: germline.
Comment: The c.64680delG variant, located in coding exon 165 of the TTN gene, results from a deletion of one nucleotide at nucleotide position 64680, causing a translational frameshift with a predicted alternate stop codon (p.P21561Qfs*2). This exon is located in the A-band region of the N2-B isoform of the titin protein and is constitutively expressed in TTN transcripts (percent spliced in or PSI 100%). This variant (referred to as NM_133437 c.65256delG p.G21752fs) has been detected in a dilated cardiomyopathy (DCM) cohort (Haas J et al. Eur Heart J. 2015 May;36(18):1123-35a). This variant is considered to be rare based on population cohorts in the Genome Aggregation Database (gnomAD). This alteration is expected to result in loss of function by premature protein truncation or nonsense-mediated mRNA decay. While truncating variants in TTN are present in 1-3% of the general population, truncating variants in the A-band are the most common cause of DCM (Herman DS et al. N. Engl. J. Med., 2012 Feb;366:619-28; Roberts AM et al. Sci Transl Med, 2015 Jan;7:270ra6). TTN truncating variants encoded in constitutive exons (PSI >90%) have been found to be significantly associated with DCM regardless of their position in titin (Schafer S et al. Nat. Genet., 2017 01;49:46-53). As such, this alteration is classified as likely pathogenic.

GeneDx
Classification: Pathogenic. Last evaluated: 2013-09-25. Review status: criteria provided, single submitter. Criteria: GeneDx Variant Classification (06012015). Collection method: clinical testing. Allele origin: germline. Affected: yes.
Comment: c.86952delG mutation was not observed in approximately 6,000 individuals of European and African American ancestry in the NHLBI Exome Sequencing Project, indicating it is not a common benign variant in these populations. This mutation causes a shift in reading frame starting at codon Proline 28985, changing it to a Glutamine, and creating a premature stop codon at position 2 of the new reading frame, denoted p.Pro28985GlnfsX2. This mutation is expected to result in either an abnormal, truncated protein product or loss of protein from this allele through nonsense-mediated mRNA decay. Other truncating TTN variants have been reported in approximately 3% of control alleles (Herman D et al., 2012). However, c.86952delG is located in the A-band region of titin, where the majority of truncating mutations associated with DCM have been reported (Herman D et al., 2012). Therefore, the presence of the c.86952delG mutation in the TTN gene is consistent with a diagnosis of DCM. The variant is found in DCM panel(s).

Literature cited by the submitters: PubMed 25163546 (cited by Labcorp Genetics (formerly Invitae), Labcorp and Ambry Genetics); PubMed 33019804 (cited by Labcorp Genetics (formerly Invitae), Labcorp); PubMed 25589632 (cited by Labcorp Genetics (formerly Invitae), Labcorp); PubMed 23975875 (cited by Labcorp Genetics (formerly Invitae), Labcorp); PubMed 25741949 (cited by Lildballe Lab, Aarhus University Hospital); PubMed 39481677 (cited by Lildballe Lab, Aarhus University Hospital).